The following is an entry in ClinVar:

NM_022089.4(ATP13A2):c.2859G>T (p.Thr953=)

Gene: ATP13A2 (ATPase cation transporting 13A2; minus strand). Cytogenetic location: 1p36.13.
Variant type: single nucleotide variant.
Coding change: c.2859G>T on transcript NM_022089.4 (MANE Select); coding-DNA position 2859, G replaced by T.
Protein change: p.Thr953=; no amino-acid change (threonine 953 retained).
Molecular consequence: synonymous variant.
Genome position (GRCh38, 1-based): chr1:16,988,138, C>A on the plus strand (G>T on the coding strand, the complement: ATP13A2 is on the minus strand). VCF-style: chr1-16988138-C-A. GRCh37 (hg19) VCF-style: chr1-17314633-C-A.
Other names: c.2844G>T, p.Thr948= (NM_001141973.3); c.2727G>T, p.Thr909= (NM_001141974.3).
Identifiers: ClinVar variation 1478275 (VCV001478275.6), dbSNP rs144557304, ClinGen allele CA416055866.
Genomic context (GRCh38, chr1:16,988,138, plus strand): 5'-GGCTGTGTCCCCTCCCTAGTCCTGGGACGGCTCTGGGTACGGAGCTCTGCAGATACTCAC[C>A]GTGTAGAGGATCAGGACGGAGATGAACTGGGTCAGGCTGTACAGAGCCATGTACTTGAAG-3'
Protein context (NP_071372.1, residues 943-963): TQFISVLILY[Thr953=]INTNLGDLQF

ClinVar aggregate classification (germline): Uncertain significance (1 of 4 stars; one submission).

Conditions:
Autosomal recessive spastic paraplegia type 78. Identifiers: Orphanet 513436, MedGen C5567893, MONDO:0014975, OMIM 617225.
Kufor-Rakeb syndrome (KRS). Also called: PARKINSON DISEASE 9, AUTOSOMAL RECESSIVE, JUVENILE-ONSET. Identifiers: Orphanet 306674, Orphanet 314632, MedGen C1847640, MONDO:0011706, OMIM 606693.

gnomAD v4.1: 4 of 1,613,190 alleles (0.00025%); highest among the groups gnomAD compares: Admixed American, 0.005%; no homozygotes.

Submission:

Labcorp Genetics (formerly Invitae), Labcorp
Classification: Uncertain significance for Kufor-Rakeb syndrome; Autosomal recessive spastic paraplegia type 78. Last evaluated: 2022-03-15. Review status: criteria provided, single submitter. Criteria: Invitae Variant Classification Sherloc (09022015). Collection method: clinical testing. Allele origin: germline.
Comment: This sequence change affects codon 953 of the ATP13A2 mRNA. It is a 'silent' change, meaning that it does not change the encoded amino acid sequence of the ATP13A2 protein. This variant also falls at the last nucleotide of exon 25, which is part of the consensus splice site for this exon. This variant is present in population databases (no rsID available, gnomAD 0.003%). This variant has not been reported in the literature in individuals affected with ATP13A2-related conditions. Variants that disrupt the consensus splice site are a relatively common cause of aberrant splicing (PMID: 17576681, 9536098). Algorithms developed to predict the effect of sequence changes on RNA splicing suggest that this variant is not likely to affect RNA splicing. In summary, the available evidence is currently insufficient to determine the role of this variant in disease. Therefore, it has been classified as a Variant of Uncertain Significance.

Literature cited by the submitters: PubMed 17576681; PubMed 9536098.